The following is an entry in ClinVar:

ClinVar aggregate classification (germline): Uncertain significance (1 of 4 stars; one submission).

Submission:

GeneDx
Classification: Uncertain significance. Last evaluated: 2019-10-18. Review status: criteria provided, single submitter. Criteria: GeneDx Variant Classification Process June 2021. Collection method: clinical testing. Allele origin: germline. Affected: yes.
Comment: Not observed in large population cohorts (Lek et al., 2016); Frameshift variant predicted to result in protein truncation or nonsense mediated decay in a gene for which loss-of-function is not a known mechanism of disease; Has not been previously published as pathogenic or benign to our knowledge

NM_014991.6(WDFY3):c.4640del (p.Pro1547fs)

Gene: WDFY3 (WD repeat and FYVE domain containing 3; minus strand). Cytogenetic location: 4q21.23.
Variant type: Deletion.
Coding change: c.4640del on transcript NM_014991.6 (MANE Select); coding-DNA position 4640, one base deleted (C; older notation c.4640delC).
Protein change: p.Pro1547fs; shifts the reading frame from proline 1547.
Molecular consequence: frameshift variant.
Genome position (GRCh38, 1-based): chr4:84,774,934, G deleted on the plus strand (C on the coding strand, the reverse complement: WDFY3 is on the minus strand); the first of 3 consecutive G bases (chr4:84,774,934-84,774,936); deleting any one gives the same sequence. VCF-style (leftmost placement, unchanged base first): chr4-84774933-TG-T. GRCh37 (hg19) VCF-style: chr4-85696086-TG-T.
Other names: short protein forms P1547fs.
Identifiers: ClinVar variation 1309716 (VCV001309716.2), dbSNP rs2149446187, ClinGen allele CA2573052368.